The following is an entry in ClinVar:

NM_015135.3(NUP205):c.3767T>C (p.Met1256Thr)

Gene: NUP205 (nucleoporin 205; plus strand). Cytogenetic location: 7q33.
Variant type: single nucleotide variant.
Coding change: c.3767T>C on transcript NM_015135.3 (MANE Select); coding-DNA position 3767, T replaced by C.
Protein change: p.Met1256Thr; replaces methionine 1256 with threonine.
Molecular consequence: missense variant.
Genome position (GRCh38, 1-based): chr7:135,617,678, T>C. VCF-style: chr7-135617678-T-C. GRCh37 (hg19) VCF-style: chr7-135302426-T-C.
Other names: c.2693T>C, p.Met898Thr (NM_001329434.2); short protein forms M1256T, M898T.
Identifiers: ClinVar variation 3203069 (VCV003203069.2), dbSNP rs752009717, ClinGen allele CA4498709.

ClinVar aggregate classification (germline): Uncertain significance (1 of 4 stars; one submission).

Allele frequency attached by ClinVar (database versions not stated): gnomAD exomes 0.00001; ExAC 0.00003; TOPMed 0.00005; gnomAD 0.00002.

Submission:

Ambry Genetics
Classification: Uncertain significance. Last evaluated: 2025-05-27. Review status: criteria provided, single submitter. Criteria: Ambry Variant Classification Scheme 2023. Collection method: clinical testing. Allele origin: germline.
Comment: Does not currently meet published gene-disease clinical validity criteria Based on insufficient or conflicting evidence, the clinical significance of this alteration remains unclear.

Literature cited by the submitters: PubMed 28106320.